The following is an entry in ClinVar:

ClinVar aggregate classification (germline): Conflicting classifications of pathogenicity. Review status: criteria provided, conflicting classifications (1 of 4 stars). 6 submissions from 6 submitters: Uncertain significance (1); Benign (1); Likely benign (3). 1 of the submissions does not count toward it. Last evaluated 2026-07-01.

Conditions:
Hereditary spastic paraplegia. Also called: Familial spastic paraparesis. Identifiers: Orphanet 685, MedGen C0037773, MONDO:0019064. Disease mechanism: loss of function.
Hereditary spastic paraplegia 49 (HSAN9). Also called: NEUROPATHY, HEREDITARY SENSORY AND AUTONOMIC, TYPE IX, WITH DEVELOPMENTAL DELAY; Spastic paraplegia 49, autosomal recessive; TECPR2-Related Hereditary Sensory and Autonomic Neuropathy with Intellectual Disability. Identifiers: Orphanet 320385, MedGen C5190860, MONDO:0014016, OMIM 615031.

Allele frequency attached by ClinVar (database versions not stated): ExAC 0.00063; gnomAD exomes 0.00066; 1000 Genomes Project 0.00200; 1000 Genomes Project 30x 0.00219; TOPMed 0.00224; gnomAD 0.00245; ESP Exome Variant Server 0.00284.
gnomAD v4.1: 641 of 1,391,190 alleles (0.046%); highest among the groups gnomAD compares: African/African-American, 0.73%; no homozygotes.

Submissions (6):

CeGaT Center for Human Genetics Tuebingen
Classification: Likely benign. Last evaluated: 2026-07-01. Review status: criteria provided, single submitter. Criteria: CeGaT Center For Human Genetics Tuebingen Variant Classification Criteria Version 2. Collection method: clinical testing. Allele origin: germline. Affected: yes. Observed: 1 variant allele.
Comment: TECPR2: BP4, BP7

Labcorp Genetics (formerly Invitae), Labcorp
Classification: Benign for Hereditary spastic paraplegia 49. Last evaluated: 2026-01-19. Review status: criteria provided, single submitter. Criteria: Invitae Variant Classification Sherloc (09022015). Collection method: clinical testing. Allele origin: germline.

Blueprint Genetics
Classification: Likely benign. Last evaluated: 2024-10-08. Review status: criteria provided, single submitter. Criteria: ACMG Guidelines, 2015. Collection method: clinical testing. Allele origin: germline.

GeneDx
Classification: Likely benign. Last evaluated: 2017-08-07. Review status: criteria provided, single submitter. Criteria: GeneDx Variant Classification (06012015). Collection method: clinical testing. Allele origin: germline. Affected: yes.
Comment: This variant is considered likely benign or benign based on one or more of the following criteria: it is a conservative change, it occurs at a poorly conserved position in the protein, it is predicted to be benign by multiple in silico algorithms, and/or has population frequency not consistent with disease.

Genome Diagnostics Laboratory, The Hospital for Sick Children
Classification: Uncertain significance for Hereditary spastic paraplegia. Last evaluated: 2016-12-12. Review status: criteria provided, single submitter. Criteria: ACMG Guidelines, 2015. Collection method: clinical testing. Allele origin: germline. Affected: yes.

Natera, Inc.
Classification: Likely benign for Autosomal recessive spastic paraplegia type 49. Last evaluated: 2019-12-10. Review status: no assertion criteria provided. Collection method: clinical testing. Allele origin: germline. Not counted in ClinVar's aggregate classification.

NM_014844.5(TECPR2):c.1470C>T (p.Ser490=)

Gene: TECPR2 (tectonin beta-propeller repeat containing 2; plus strand). Cytogenetic location: 14q32.31.
Variant type: single nucleotide variant.
Coding change: c.1470C>T on transcript NM_014844.5 (MANE Select); coding-DNA position 1470, C replaced by T.
Protein change: p.Ser490=; no amino-acid change (serine 490 retained).
Molecular consequence: synonymous variant.
Genome position (GRCh38, 1-based): chr14:102,434,287, C>T. VCF-style: chr14-102434287-C-T. GRCh37 (hg19) VCF-style: chr14-102900624-C-T.
Other names: c.1470C>T, p.Ser490= (NM_001172631.3).
Identifiers: ClinVar variation 511253 (VCV000511253.21), dbSNP rs149584733, ClinGen allele CA7357739.